The following is an entry in ClinVar:

NM_003200.5(TCF3):c.398_400del (p.Asn133del)

Gene: TCF3 (transcription factor 3; minus strand). Cytogenetic location: 19p13.3.
Variant type: Deletion.
Coding change: c.398_400del on transcript NM_003200.5 (MANE Select); coding-DNA positions 398 to 400, 3 bases deleted (ACA; older notation c.398_400delACA).
Protein change: p.Asn133del; deletes asparagine 133.
Molecular consequence: inframe deletion.
Genome position (GRCh38, 1-based): chr19:1,625,675-1,625,677, TGT deleted on the plus strand (ACA on the coding strand, the reverse complement: TCF3 is on the minus strand); deleting any 3 consecutive bases within chr19:1,625,675-1,625,679 gives the same sequence; the c. name uses the placement nearest the transcript's 3' end. VCF-style (leftmost placement, unchanged base first): chr19-1625674-CTGT-C. GRCh37 (hg19) VCF-style: chr19-1625673-CTGT-C.
Other names: c.398_400del, p.Asn133del (NM_001136139.4, NM_001351778.2, NM_001351779.2); short protein forms N133del.
Identifiers: ClinVar variation 2062864 (VCV002062864.4), dbSNP rs2513850145, ClinGen allele CA2580096115.

ClinVar aggregate classification (germline): Uncertain significance (1 of 4 stars; one submission).

Submission:

Labcorp Genetics (formerly Invitae), Labcorp
Classification: Uncertain significance. Last evaluated: 2021-12-27. Review status: criteria provided, single submitter. Criteria: Invitae Variant Classification Sherloc (09022015). Collection method: clinical testing. Allele origin: germline.
Comment: This variant is not present in population databases (gnomAD no frequency). This variant, c.398_400del, results in the deletion of 1 amino acid(s) of the TCF3 protein (p.Asn133del), but otherwise preserves the integrity of the reading frame. This variant has not been reported in the literature in individuals affected with TCF3-related conditions. In summary, the available evidence is currently insufficient to determine the role of this variant in disease. Therefore, it has been classified as a Variant of Uncertain Significance. Experimental studies and prediction algorithms are not available or were not evaluated, and the functional significance of this variant is currently unknown.